The following is an entry in ClinVar:

ClinVar aggregate classification (germline): Uncertain significance (1 of 4 stars; one submission).

Conditions:
Hereditary nonpolyposis colorectal neoplasms. Identifiers: MedGen C0009405, MeSH D003123.

Submission:

Labcorp Genetics (formerly Invitae), Labcorp
Classification: Uncertain significance for Hereditary nonpolyposis colorectal neoplasms. Last evaluated: 2025-05-18. Review status: criteria provided, single submitter. Criteria: Invitae Variant Classification Sherloc (09022015). Collection method: clinical testing. Allele origin: germline.
Comment: This sequence change replaces serine, which is neutral and polar, with phenylalanine, which is neutral and non-polar, at codon 456 of the PMS2 protein (p.Ser456Phe). This variant is not present in population databases (gnomAD no frequency). This variant has not been reported in the literature in individuals affected with PMS2-related conditions. Invitae Evidence Modeling incorporating data from in vitro experimental studies (internal data) indicates that this missense variant is not expected to disrupt PMS2 function with a negative predictive value of 95%. In summary, the available evidence is currently insufficient to determine the role of this variant in disease. Therefore, it has been classified as a Variant of Uncertain Significance.

NM_000535.7(PMS2):c.1367C>T (p.Ser456Phe)

Gene: PMS2 (PMS1 homolog 2, mismatch repair system component; minus strand). Cytogenetic location: 7p22.1.
Variant type: single nucleotide variant.
Coding change: c.1367C>T on transcript NM_000535.7 (MANE Select); coding-DNA position 1367, C replaced by T.
Protein change: p.Ser456Phe; replaces serine 456 with phenylalanine.
Molecular consequence: missense variant. On other transcripts: non-coding transcript variant (1), intron variant (1).
Genome position (GRCh38, 1-based): chr7:5,987,398, G>A on the plus strand (C>T on the coding strand, the complement: PMS2 is on the minus strand). VCF-style: chr7-5987398-G-A. GRCh37 (hg19) VCF-style: chr7-6027029-G-A.
Other names: c.962C>T, p.Ser321Phe (NM_001322003.2, NM_001322004.2, NM_001322005.2 and 16 more transcripts); c.1211C>T, p.Ser404Phe (NM_001322006.2, NM_001406870.1); c.1049C>T, p.Ser350Phe (NM_001322007.2, NM_001322008.2, NM_001406876.1 and 2 more transcripts); c.806C>T, p.Ser269Phe (NM_001322010.2, NM_001406906.1, NM_001406907.1); c.434C>T, p.Ser145Phe (NM_001322011.2, NM_001322012.2); c.794C>T, p.Ser265Phe (NM_001322013.2, NM_001406909.1); c.1367C>T, p.Ser456Phe (NM_001322014.2, NM_001406871.1, NM_001406872.1); c.1058C>T, p.Ser353Phe (NM_001322015.2, NM_001406875.1, NM_001406877.1 and 5 more transcripts); and 13 more; short protein forms S145F, S334F, S390F, S456F, S518F, S265F, S301F, S321F.
Identifiers: ClinVar variation 4711117 (VCV004711117.1).